The following is an entry in ClinVar:

NM_031433.4(MFRP):c.425C>A (p.Ser142Tyr)

Genes: C1QTNF5 (C1q and TNF related 5; minus strand), MFRP (membrane frizzled-related protein; minus strand). Cytogenetic location: 11q23.3.
Variant type: single nucleotide variant.
Coding change: c.425C>A on transcript NM_031433.4 (MANE Select); coding-DNA position 425, C replaced by A.
Protein change: p.Ser142Tyr; replaces serine 142 with tyrosine.
Molecular consequence: missense variant. On other transcripts: 5 prime UTR variant (1).
Genome position (GRCh38, 1-based): chr11:119,345,775, G>T on the plus strand (C>A on the coding strand, the complement: MFRP is on the minus strand). VCF-style: chr11-119345775-G-T. GRCh37 (hg19) VCF-style: chr11-119216485-G-T.
Other names: c.-2212C>A (NM_015645.5); short protein forms S142Y.
Identifiers: ClinVar variation 1463450 (VCV001463450.8), dbSNP rs145568020, ClinGen allele CA6320583.

ClinVar aggregate classification (germline): Uncertain significance (1 of 4 stars; one submission).

Conditions:
Isolated microphthalmia 5. Also called: Posterior Microphthalmia with Retinitis Pigmentosa, Foveoschisis, and Optic Disc Drusen. Identifiers: Orphanet 251279, MedGen C1970236, MONDO:0012605, OMIM 611040.

Allele frequency attached by ClinVar (database versions not stated): TOPMed 0.00003; gnomAD exomes 0.00002 and 0.00005; ExAC 0.00003; ESP Exome Variant Server 0.00008.
gnomAD v4.1: 12 of 1,613,592 alleles (0.00074%); highest among the groups gnomAD compares: Admixed American, 0.02%; no homozygotes.

Submission:

Labcorp Genetics (formerly Invitae), Labcorp
Classification: Uncertain significance for Isolated microphthalmia 5. Last evaluated: 2023-12-11. Review status: criteria provided, single submitter. Criteria: Invitae Variant Classification Sherloc (09022015). Collection method: clinical testing. Allele origin: germline.
Comment: This sequence change replaces serine, which is neutral and polar, with tyrosine, which is neutral and polar, at codon 142 of the MFRP protein (p.Ser142Tyr). This variant is present in population databases (rs145568020, gnomAD 0.03%). This variant has not been reported in the literature in individuals affected with MFRP-related conditions. ClinVar contains an entry for this variant (Variation ID: 1463450). An algorithm developed to predict the effect of missense changes on protein structure and function (PolyPhen-2) suggests that this variant is likely to be disruptive. In summary, the available evidence is currently insufficient to determine the role of this variant in disease. Therefore, it has been classified as a Variant of Uncertain Significance.